The following is an entry in ClinVar:

ClinVar aggregate classification (germline): Benign. Review status: criteria provided, multiple submitters, no conflicts (2 of 4 stars). 4 submissions from 4 submitters: Benign (4). Last evaluated 2026-01-26.

Conditions:
Hoyeraal-Hreidarsson syndrome (HHS). Also called: CEREBELLAR HYPOPLASIA WITH PANCYTOPENIA. Identifiers: Orphanet 3322, MedGen C1846142, MONDO:0018045.
Autosomal recessive dyskeratosis congenita. Identifiers: MedGen C3502105.

Allele frequency attached by ClinVar (database versions not stated): ESP Exome Variant Server 0.12956; gnomAD 0.15394 and 0.16175; TOPMed 0.17317; gnomAD exomes 0.18576; ExAC 0.21170; 1000 Genomes Project 30x 0.23766; 1000 Genomes Project 0.24341.

Submissions (4):

Labcorp Genetics (formerly Invitae), Labcorp
Classification: Benign for Hoyeraal-Hreidarsson syndrome; Autosomal recessive dyskeratosis congenita. Last evaluated: 2026-01-26. Review status: criteria provided, single submitter. Criteria: Invitae Variant Classification Sherloc (09022015). Collection method: clinical testing. Allele origin: germline.

Unidad de Genómica Garrahan, Hospital de Pediatría Garrahan
Classification: Benign. Last evaluated: 2024-01-24. Review status: criteria provided, single submitter. Criteria: ACMG Guidelines, 2015. Collection method: clinical testing. Allele origin: germline. Affected: no. Observed: 59 variant alleles.
Comment: This variant is classified as Benign based on local population frequency. This variant was detected in 62% of patients studied by a panel of primary immunodeficiencies. Number of patients: 59. Only high quality variants are reported.

GeneDx
Classification: Benign. Last evaluated: 2018-07-09. Review status: criteria provided, single submitter. Criteria: GeneDx Variant Classification Process June 2021. Collection method: clinical testing. Allele origin: germline. Affected: yes.

Breakthrough Genomics
Classification: Benign. Review status: criteria provided, single submitter. Criteria: ACMG Guidelines, 2015. Collection method: not provided. Allele origin: germline. Inheritance: Autosomal recessive inheritance. Affected: yes.

NM_022836.4(DCLRE1B):c.234T>C (p.His78=)

Gene: DCLRE1B (DNA cross-link repair 1B; plus strand). Cytogenetic location: 1p13.2.
Variant type: single nucleotide variant.
Coding change: c.234T>C on transcript NM_022836.4 (MANE Select); coding-DNA position 234, T replaced by C.
Protein change: p.His78=; no amino-acid change (histidine 78 retained).
Molecular consequence: synonymous variant. On other transcripts: intron variant (3).
Genome position (GRCh38, 1-based): chr1:113,907,040, T>C. VCF-style: chr1-113907040-T-C. GRCh37 (hg19) VCF-style: chr1-114449662-T-C.
Other names: c.234T>C, p.His78= (NM_001363690.2); c.-23-969T>C (NM_001319947.2, NM_001319946.2, NM_001363691.2).
Identifiers: ClinVar variation 1169794 (VCV001169794.11), dbSNP rs3761936, ClinGen allele CA1016318.